The following is an entry in ClinVar:

ClinVar aggregate classification (germline): Uncertain significance (1 of 4 stars; one submission).

Conditions:
Hereditary cancer-predisposing syndrome. Also called: Tumor predisposition; Hereditary Cancer Syndrome; Hereditary neoplastic syndrome; Neoplastic Syndromes, Hereditary. Identifiers: Orphanet 140162, MedGen C0027672, MeSH D009386, MONDO:0015356.

Submission:

Ambry Genetics
Classification: Uncertain significance for Hereditary cancer-predisposing syndrome. Last evaluated: 2025-11-18. Review status: criteria provided, single submitter. Criteria: Ambry Variant Classification Scheme 2023. Collection method: clinical testing. Allele origin: germline.
Comment: The p.D817V variant (also known as c.2450A>T), located in coding exon 21 of the TSC2 gene, results from an A to T substitution at nucleotide position 2450. The aspartic acid at codon 817 is replaced by valine, an amino acid with highly dissimilar properties. This amino acid position is conserved. In addition, this alteration is predicted to be deleterious by in silico analysis. Based on the available evidence, the clinical significance of this variant remains unclear.

NM_000548.5(TSC2):c.2450A>T (p.Asp817Val)

Gene: TSC2 (TSC complex subunit 2; plus strand). Cytogenetic location: 16p13.3.
Variant type: single nucleotide variant.
Coding change: c.2450A>T on transcript NM_000548.5 (MANE Select); coding-DNA position 2450, A replaced by T.
Protein change: p.Asp817Val; replaces aspartic acid 817 with valine.
Molecular consequence: missense variant. On other transcripts: non-coding transcript variant (5).
Genome position (GRCh38, 1-based): chr16:2,074,294, A>T. VCF-style: chr16-2074294-A-T. GRCh37 (hg19) VCF-style: chr16-2124295-A-T.
Other names: c.2450A>T, p.Asp817Val (NM_001077183.3, NM_001114382.3, NM_001363528.2 and 6 more transcripts); c.2339A>T, p.Asp780Val (NM_001318827.2, NM_001406670.1, NM_001406678.1); c.2303A>T, p.Asp768Val (NM_001318829.2, NM_001406675.1, NM_001406676.1 and 1 more transcripts); c.1850A>T, p.Asp617Val (NM_001318831.2, NM_001406680.1, NM_001406682.1 and 6 more transcripts); c.2483A>T, p.Asp828Val (NM_001318832.2); c.2540A>T, p.Asp847Val (NM_001406667.1, NM_001406668.1); c.2438A>T, p.Asp813Val (NM_001406671.1, NM_001406673.1); c.2393A>T, p.Asp798Val (NM_001406677.1); and 3 more; short protein forms D780V, D847V, D283V, D663V, D617V, D768V, D813V, D817V.
Identifiers: ClinVar variation 4557361 (VCV004557361.1).